The following is an entry in ClinVar:

ClinVar aggregate classification (germline): Likely benign (1 of 4 stars; one submission).

Submission:

CeGaT Center for Human Genetics Tuebingen
Classification: Likely benign. Last evaluated: 2023-11-01. Review status: criteria provided, single submitter. Criteria: CeGaT Center For Human Genetics Tuebingen Variant Classification Criteria Version 2. Collection method: clinical testing. Allele origin: germline. Affected: yes. Observed: 1 variant allele.
Comment: FAT3: PM2:Supporting, BP4, BP7

NM_001367949.2(FAT3):c.6477A>T (p.Leu2159=)

Gene: FAT3 (FAT atypical cadherin 3; plus strand). Cytogenetic location: 11q14.3.
Variant type: single nucleotide variant.
Coding change: c.6477A>T on transcript NM_001367949.2 (MANE Select); coding-DNA position 6477, A replaced by T.
Protein change: p.Leu2159=; no amino-acid change (leucine 2159 retained).
Molecular consequence: synonymous variant.
Genome position (GRCh38, 1-based): chr11:92,799,490, A>T. VCF-style: chr11-92799490-A-T. GRCh37 (hg19) VCF-style: chr11-92532656-A-T.
Other names: c.6477A>T, p.Leu2159= (NM_001008781.3).
Identifiers: ClinVar variation 2642273 (VCV002642273.24), dbSNP rs2496970697, ClinGen allele CA476477577.